The following is an entry in ClinVar:

NM_021942.6(TRAPPC11):c.487A>G (p.Asn163Asp)

Gene: TRAPPC11 (trafficking protein particle complex subunit 11; plus strand). Cytogenetic location: 4q35.1.
Variant type: single nucleotide variant.
Coding change: c.487A>G on transcript NM_021942.6 (MANE Select); coding-DNA position 487, A replaced by G.
Protein change: p.Asn163Asp; replaces asparagine 163 with aspartic acid.
Molecular consequence: missense variant.
Genome position (GRCh38, 1-based): chr4:183,668,044, A>G. VCF-style: chr4-183668044-A-G. GRCh37 (hg19) VCF-style: chr4-184589197-A-G.
Other names: c.487A>G, p.Asn163Asp (NM_199053.3); short protein forms N163D.
Identifiers: ClinVar variation 1036791 (VCV001036791.7), dbSNP rs775567168, ClinGen allele CA3151600.

ClinVar aggregate classification (germline): Uncertain significance (1 of 4 stars; one submission).

Conditions:
Autosomal recessive limb-girdle muscular dystrophy type R18 (LGMDR18). Also called: Autosomal recessive limb-girdle muscular dystrophy type 2S; MUSCULAR DYSTROPHY, LIMB-GIRDLE, AUTOSOMAL RECESSIVE 18; Limb-girdle muscular dystrophy, type 2S. Identifiers: Orphanet 369840, MedGen C4517996, MONDO:0014144, OMIM 615356.

Allele frequency attached by ClinVar (database versions not stated): gnomAD below 0.00001 and 0.00002; gnomAD exomes 0.00001 and 0.00003; ExAC 0.00004.
gnomAD v4.1: 24 of 1,613,562 alleles (0.0015%); highest among the groups gnomAD compares: South Asian, 0.023%; no homozygotes.

Submission:

Labcorp Genetics (formerly Invitae), Labcorp
Classification: Uncertain significance for Autosomal recessive limb-girdle muscular dystrophy type R18. Last evaluated: 2022-02-03. Review status: criteria provided, single submitter. Criteria: Invitae Variant Classification Sherloc (09022015). Collection method: clinical testing. Allele origin: germline.
Comment: This variant has not been reported in the literature in individuals affected with TRAPPC11-related conditions. In summary, the available evidence is currently insufficient to determine the role of this variant in disease. Therefore, it has been classified as a Variant of Uncertain Significance. Algorithms developed to predict the effect of missense changes on protein structure and function output the following: SIFT: "Tolerated"; PolyPhen-2: "Benign"; Align-GVGD: "Class C0". The aspartic acid amino acid residue is found in multiple mammalian species, which suggests that this missense change does not adversely affect protein function. ClinVar contains an entry for this variant (Variation ID: 1036791). This variant is present in population databases (rs775567168, gnomAD 0.03%). This sequence change replaces asparagine, which is neutral and polar, with aspartic acid, which is acidic and polar, at codon 163 of the TRAPPC11 protein (p.Asn163Asp).